The following is an entry in ClinVar:

NM_001042681.2(RERE):c.3675T>C (p.Pro1225=)

Gene: RERE (arginine-glutamic acid dipeptide repeats; minus strand). Cytogenetic location: 1p36.23.
Variant type: single nucleotide variant.
Coding change: c.3675T>C on transcript NM_001042681.2 (MANE Select); coding-DNA position 3675, T replaced by C.
Protein change: p.Pro1225=; no amino-acid change (proline 1225 retained).
Molecular consequence: synonymous variant.
Genome position (GRCh38, 1-based): chr1:8,358,860, A>G on the plus strand (T>C on the coding strand, the complement: RERE is on the minus strand). VCF-style: chr1-8358860-A-G. GRCh37 (hg19) VCF-style: chr1-8418920-A-G.
Other names: c.2013T>C, p.Pro671= (NM_001042682.2); c.3675T>C, p.Pro1225= (NM_012102.4).
Identifiers: ClinVar variation 720739 (VCV000720739.15), dbSNP rs12047953, ClinGen allele CA571012.
Genomic context (GRCh38, chr1:8,358,860, plus strand): 5'-GTAGGGGGGCACAGCAGCAATGGTGGTTGGTGGTGGCTCGAAGGATGGCCGCATGTGGCC[A>G]GGACCACTGAGCTGTGGGTCACTGAGGCGACCTTCATGCGCTGAGCTGGACGCCTTCTGC-3'
Protein context (NP_001036146.1, residues 1215-1235): GRLSDPQLSG[Pro1225=]GHMRPSFEPP

ClinVar aggregate classification (germline): Benign. Review status: criteria provided, multiple submitters, no conflicts (2 of 4 stars). 4 submissions from 4 submitters: Benign (3). 1 of the submissions does not count toward it. Last evaluated 2025-11-10.

Conditions:
RERE-related disorder. Also called: RERE-related condition; RERE-Related Disorders. Identifiers: MedGen CN381537.

Allele frequency attached by ClinVar (database versions not stated): gnomAD 0.00143 and 0.00212; TOPMed 0.00481; ExAC 0.00530; gnomAD exomes 0.00532; 1000 Genomes Project 30x 0.01031; 1000 Genomes Project 0.01078.
gnomAD v4.1: 3,135 of 1,592,806 alleles (0.2%); highest among the groups gnomAD compares: East Asian, 5.8%; 88 homozygotes.

Submissions (4):

Labcorp Genetics (formerly Invitae), Labcorp
Classification: Benign. Last evaluated: 2025-11-10. Review status: criteria provided, single submitter. Criteria: Invitae Variant Classification Sherloc (09022015). Collection method: clinical testing. Allele origin: germline.

GeneDx
Classification: Benign. Last evaluated: 2020-09-10. Review status: criteria provided, single submitter. Criteria: GeneDx Variant Classification Process June 2021. Collection method: clinical testing. Allele origin: germline. Affected: yes.

Breakthrough Genomics
Classification: Benign. Review status: criteria provided, single submitter. Criteria: ACMG Guidelines, 2015. Collection method: not provided. Allele origin: germline. Inheritance: Autosomal dominant inheritance. Affected: yes.

PreventionGenetics, part of Exact Sciences
Classification: Benign for RERE-related condition. Last evaluated: 2019-04-01. Review status: no assertion criteria provided. Collection method: clinical testing. Allele origin: germline. Not counted in ClinVar's aggregate classification.
Comment: This variant is classified as benign based on ACMG/AMP sequence variant interpretation guidelines (Richards et al. 2015 PMID: 25741868, with internal and published modifications).